The following is an entry in ClinVar:

NM_001458.5(FLNC):c.1641G>C (p.Val547=)

Gene: FLNC (filamin C; plus strand). Cytogenetic location: 7q32.1.
Variant type: single nucleotide variant.
Coding change: c.1641G>C on transcript NM_001458.5 (MANE Select); coding-DNA position 1641, G replaced by C.
Protein change: p.Val547=; no amino-acid change (valine 547 retained).
Molecular consequence: synonymous variant.
Genome position (GRCh38, 1-based): chr7:128,840,639, G>C. VCF-style: chr7-128840639-G-C. GRCh37 (hg19) VCF-style: chr7-128480693-G-C.
Other names: c.1641G>C, p.Val547= (NM_001127487.2).
Identifiers: ClinVar variation 1089480 (VCV001089480.36), dbSNP rs202142168, ClinGen allele CA4474417.

ClinVar aggregate classification (germline): Likely benign. Review status: criteria provided, multiple submitters, no conflicts (2 of 4 stars). 4 submissions from 4 submitters: Likely benign (4). Last evaluated 2026-06-01.

Conditions:
FLNC-related disorder. Also called: FLNC-related condition; FLNC-related disorders.
Distal myopathy with posterior leg and anterior hand involvement. Also called: WILLIAMS DISTAL MYOPATHY. Identifiers: Orphanet 63273, MedGen C3279722, MONDO:0013550, OMIM 614065.
Hypertrophic cardiomyopathy 26. Also called: Cardiomyopathy, familial hypertrophic, 26. Identifiers: Orphanet 75249, MedGen C4310749, MONDO:0014883, OMIM 617047.
Myofibrillar myopathy 5. Also called: Filaminopathy (type); FILAMINOPATHY, AUTOSOMAL DOMINANT. Identifiers: Orphanet 171445, MedGen C1836050, MONDO:0012289, OMIM 609524.
Cardiovascular phenotype. Identifiers: MedGen CN230736.

Allele frequency attached by ClinVar (database versions not stated): gnomAD exomes 0.00001; ExAC 0.00002; gnomAD 0.00002 and 0.00003; TOPMed 0.00005; ESP Exome Variant Server 0.00008; 1000 Genomes Project 30x 0.00031; 1000 Genomes Project 0.00040.
gnomAD v4.1: 16 of 1,614,234 alleles (0.00099%); highest among the groups gnomAD compares: African/African-American, 0.019%; no homozygotes.

Submissions (4):

PreventionGenetics, part of Exact Sciences
Classification: Likely benign for FLNC-related condition. Last evaluated: 2026-06-01. Review status: criteria provided, single submitter. Criteria: ACMG Guidelines, 2015. Collection method: clinical testing. Allele origin: germline.
Comment: This variant is classified as likely benign based on ACMG/AMP sequence variant interpretation guidelines (Richards et al. 2015 PMID: 25741868, with internal and published modifications).

Labcorp Genetics (formerly Invitae), Labcorp
Classification: Likely benign for Distal myopathy with posterior leg and anterior hand involvement; Myofibrillar myopathy 5; Hypertrophic cardiomyopathy 26. Last evaluated: 2025-10-08. Review status: criteria provided, single submitter. Criteria: Invitae Variant Classification Sherloc (09022015). Collection method: clinical testing. Allele origin: germline.

CeGaT Center for Human Genetics Tuebingen
Classification: Likely benign. Last evaluated: 2022-07-01. Review status: criteria provided, single submitter. Criteria: CeGaT Center For Human Genetics Tuebingen Variant Classification Criteria Version 2. Collection method: clinical testing. Allele origin: germline. Affected: yes. Observed: 1 variant allele.
Comment: FLNC: BP4, BP7

Ambry Genetics
Classification: Likely benign for Cardiovascular phenotype. Last evaluated: 2019-12-19. Review status: criteria provided, single submitter. Criteria: Ambry Variant Classification Scheme 2023. Collection method: clinical testing. Allele origin: germline.